The following is an entry in ClinVar:

ClinVar aggregate classification (germline): Likely benign (1 of 4 stars; one submission).

Conditions:
Cutis laxa with osteodystrophy (ARCL2A). Also called: Debré-Type Cutis Laxa; CUTIS LAXA WITH CONGENITAL DISORDER OF GLYCOSYLATION; CUTIS LAXA, AUTOSOMAL RECESSIVE, TYPE IIA; CUTIS LAXA WITH BONE DYSTROPHY; CUTIS LAXA WITH GROWTH AND DEVELOPMENTAL DELAY; CUTIS LAXA WITH JOINT LAXITY AND RETARDED DEVELOPMENT. Identifiers: Orphanet 357058, MedGen C0268355, MONDO:0018163, OMIM 219200. Disease mechanism: loss of function.

Allele frequency attached by ClinVar (database versions not stated): 1000 Genomes Project 30x 0.00141; TOPMed 0.00008; 1000 Genomes Project 0.00180; gnomAD 0.00006 and 0.00023.
gnomAD v4.1: 35 of 152,278 alleles (0.023%); highest among the groups gnomAD compares: East Asian, 0.67%; no homozygotes.

Submission:

Illumina Laboratory Services, Illumina
Classification: Likely benign for Cutis laxa with osteodystrophy. Last evaluated: 2018-01-13. Review status: criteria provided, single submitter. Criteria: ICSL Variant Classification Criteria 13 December 2019. Collection method: clinical testing. Allele origin: germline.
Comment: This variant was observed in the ICSL laboratory as part of a predisposition screen in an ostensibly healthy population. It had not been previously curated by ICSL or reported in the Human Gene Mutation Database (HGMD: prior to June 1st, 2018), and was therefore a candidate for classification through an automated scoring system. Utilizing variant allele frequency, disease prevalence and penetrance estimates, and inheritance mode, an automated score was calculated to assess if this variant is too frequent to cause the disease. Based on the score and internal cut-off values, a variant classified as likely benign is not then subjected to further curation. The score for this variant resulted in a classification of likely benign for this disease.

NM_012463.4(ATP6V0A2):c.*2485C>T

Gene: ATP6V0A2 (ATPase H+ transporting V0 subunit a2; plus strand). Cytogenetic location: 12q24.31.
Variant type: single nucleotide variant.
Coding change: c.*2485C>T on transcript NM_012463.4 (MANE Select); 2485 bases downstream of the stop codon, C replaced by T.
Molecular consequence: 3 prime UTR variant.
Genome position (GRCh38, 1-based): chr12:123,760,517, C>T. VCF-style: chr12-123760517-C-T. GRCh37 (hg19) VCF-style: chr12-124245064-C-T.
Identifiers: ClinVar variation 307630 (VCV000307630.5), dbSNP rs144043973, ClinGen allele CA10636754.
Genomic context (GRCh38, chr12:123,760,517, plus strand): 5'-TTTGTTAAGGCTTTTGCTAGAACCTATTATGTATCCAGTTTTTAAAACATACTTCATTCC[C>T]TTGATAGCAGAGATCCAGAGCACAGATGGCAAGTTGTGTGGATGATACTGAATATGTTTA-3'